The following is an entry in ClinVar:

NM_004320.6(ATP2A1):c.307A>G (p.Ile103Val)

Gene: ATP2A1 (ATPase sarcoplasmic/endoplasmic reticulum Ca2+ transporting 1; plus strand). Cytogenetic location: 16p11.2.
Variant type: single nucleotide variant.
Coding change: c.307A>G on transcript NM_004320.6 (MANE Select); coding-DNA position 307, A replaced by G.
Protein change: p.Ile103Val; replaces isoleucine 103 with valine.
Molecular consequence: missense variant. On other transcripts: 5 prime UTR variant (1).
Genome position (GRCh38, 1-based): chr16:28,881,002, A>G. VCF-style: chr16-28881002-A-G. GRCh37 (hg19) VCF-style: chr16-28892323-A-G.
Other names: c.-69A>G (NM_001286075.2); c.307A>G, p.Ile103Val (NM_173201.5); short protein forms I103V.
Identifiers: ClinVar variation 2078906 (VCV002078906.3), dbSNP rs2506251143, ClinGen allele CA395400688.

ClinVar aggregate classification (germline): Uncertain significance (1 of 4 stars; one submission).

Conditions:
Brody myopathy. Also called: BRODY DISEASE. Identifiers: Orphanet 53347, MedGen C1832918, MONDO:0010977, OMIM 601003.

Allele frequency attached by ClinVar (database versions not stated): gnomAD exomes below 0.00001.
gnomAD v4.1: 1 of 1,614,096 alleles (0.000062%); highest among the groups gnomAD compares: Non-Finnish European, 0.000085%; no homozygotes.

Submission:

Labcorp Genetics (formerly Invitae), Labcorp
Classification: Uncertain significance for Brody myopathy. Last evaluated: 2022-07-13. Review status: criteria provided, single submitter. Criteria: Invitae Variant Classification Sherloc (09022015). Collection method: clinical testing. Allele origin: germline.
Comment: This sequence change replaces isoleucine, which is neutral and non-polar, with valine, which is neutral and non-polar, at codon 103 of the ATP2A1 protein (p.Ile103Val). This variant is not present in population databases (gnomAD no frequency). This variant has not been reported in the literature in individuals affected with ATP2A1-related conditions. Algorithms developed to predict the effect of missense changes on protein structure and function (SIFT, PolyPhen-2, Align-GVGD) all suggest that this variant is likely to be tolerated. In summary, the available evidence is currently insufficient to determine the role of this variant in disease. Therefore, it has been classified as a Variant of Uncertain Significance.